The following is an entry in ClinVar:

ClinVar aggregate classification (germline): Likely benign. Review status: criteria provided, multiple submitters, no conflicts (2 of 4 stars). 2 submissions from 2 submitters: Likely benign (2). Last evaluated 2026-09-13.

Conditions:
RPS28-related disorder. Also called: RPS28-related condition.

gnomAD v4.1: 10 of 1,587,084 alleles (0.00063%); highest among the groups gnomAD compares: Admixed American, 0.014%; no homozygotes.

Submissions (2):

PreventionGenetics, part of Exact Sciences
Classification: Likely benign for RPS28-related condition. Last evaluated: 2026-09-13. Review status: criteria provided, single submitter. Criteria: ACMG Guidelines, 2015. Collection method: clinical testing. Allele origin: germline.
Comment: This variant is classified as likely benign based on ACMG/AMP sequence variant interpretation guidelines (Richards et al. 2015 PMID: 25741868, with internal and published modifications).

Labcorp Genetics (formerly Invitae), Labcorp
Classification: Likely benign. Last evaluated: 2025-04-17. Review status: criteria provided, single submitter. Criteria: Invitae Variant Classification Sherloc (09022015). Collection method: clinical testing. Allele origin: germline.

NM_001031.5(RPS28):c.21G>A (p.Gln7=)

Gene: RPS28 (ribosomal protein S28; plus strand). Cytogenetic location: 19p13.2.
Variant type: single nucleotide variant.
Coding change: c.21G>A on transcript NM_001031.5 (MANE Select); coding-DNA position 21, G replaced by A.
Protein change: p.Gln7=; no amino-acid change (glutamine 7 retained).
Molecular consequence: synonymous variant.
Genome position (GRCh38, 1-based): chr19:8,321,551, G>A. VCF-style: chr19-8321551-G-A. GRCh37 (hg19) VCF-style: chr19-8386435-G-A.
Other names: c.21G>A (NM_001031.4).
Identifiers: ClinVar variation 3698372 (VCV003698372.3).